The following is an entry in ClinVar:

ClinVar aggregate classification (germline): Uncertain significance (1 of 4 stars; one submission).

gnomAD v4.1: 1 of 1,614,120 alleles (0.000062%); highest among the groups gnomAD compares: South Asian, 0.0011%; no homozygotes.

Submission:

GeneDx
Classification: Uncertain significance. Last evaluated: 2023-01-28. Review status: criteria provided, single submitter. Criteria: GeneDx Variant Classification Process June 2021. Collection method: clinical testing. Allele origin: germline. Affected: yes.
Comment: Not observed at significant frequency in large population cohorts (gnomAD); In silico analysis supports that this missense variant does not alter protein structure/function; Has not been previously published as pathogenic or benign to our knowledge

NM_006567.5(FARS2):c.187C>A (p.His63Asn)

Genes: FARS2 (phenylalanyl-tRNA synthetase 2, mitochondrial; plus strand), LOC126859565 (CDK7 strongly-dependent group 2 enhancer GRCh37_chr6:5368745-5369944; plus strand). Cytogenetic location: 6p25.1.
Variant type: single nucleotide variant.
Coding change: c.187C>A on transcript NM_006567.5 (MANE Select); coding-DNA position 187, C replaced by A.
Protein change: p.His63Asn; replaces histidine 63 with asparagine.
Molecular consequence: missense variant. On other transcripts: intron variant (2).
Genome position (GRCh38, 1-based): chr6:5,368,757, C>A. VCF-style: chr6-5368757-C-A. GRCh37 (hg19) VCF-style: chr6-5368990-C-A.
Other names: c.187C>A, p.His63Asn (NM_001318872.2, NM_001374875.1, NM_001374876.1 and 5 more transcripts); c.-340-27876C>A (NM_001375260.1); c.-84-35785C>A (NM_001375259.1); short protein forms H63N.
Identifiers: ClinVar variation 2574986 (VCV002574986.1), dbSNP rs2534749251, ClinGen allele CA362734736.
Genomic context (GRCh38, chr6:5,368,757, plus strand): 5'-ACCCAAAGAGCTCCAGGCAGTGTGGTGGAGCTGCTGGGCAAATCCTACCCTCAGGACGAC[C>A]ACAGCAACCTCACCCGGAAGGTCCTCACCAGAGTTGGCAGGAACCTGCACAACCAGCAGC-3'
Protein context (NP_006558.1, residues 53-73): LLGKSYPQDD[His63Asn]SNLTRKVLTR